The following is an entry in ClinVar:

ClinVar aggregate classification (germline): Uncertain significance (1 of 4 stars; one submission).

Conditions:
Oligodontia-cancer predisposition syndrome. Also called: TOOTH AGENESIS-COLORECTAL CANCER SYNDROME. Identifiers: Orphanet 300576, MedGen C1837750, MONDO:0012075, OMIM 608615. Disease mechanism: loss of function.

Submission:

Labcorp Genetics (formerly Invitae), Labcorp
Classification: Uncertain significance for Oligodontia-cancer predisposition syndrome. Last evaluated: 2023-08-24. Review status: criteria provided, single submitter. Criteria: Invitae Variant Classification Sherloc (09022015). Collection method: clinical testing. Allele origin: germline.
Comment: Advanced modeling of protein sequence and biophysical properties (such as structural, functional, and spatial information, amino acid conservation, physicochemical variation, residue mobility, and thermodynamic stability) has been performed at Invitae for this missense variant, however the output from this modeling did not meet the statistical confidence thresholds required to predict the impact of this variant on AXIN2 protein function. This variant has not been reported in the literature in individuals affected with AXIN2-related conditions. This variant is not present in population databases (gnomAD no frequency). This sequence change replaces arginine, which is basic and polar, with leucine, which is neutral and non-polar, at codon 650 of the AXIN2 protein (p.Arg650Leu). In summary, the available evidence is currently insufficient to determine the role of this variant in disease. Therefore, it has been classified as a Variant of Uncertain Significance.

NM_004655.4(AXIN2):c.1949G>T (p.Arg650Leu)

Gene: AXIN2 (axin 2; minus strand). Cytogenetic location: 17q24.1.
Variant type: single nucleotide variant.
Coding change: c.1949G>T on transcript NM_004655.4 (MANE Select); coding-DNA position 1949, G replaced by T.
Protein change: p.Arg650Leu; replaces arginine 650 with leucine.
Molecular consequence: missense variant.
Genome position (GRCh38, 1-based): chr17:65,536,512, C>A on the plus strand (G>T on the coding strand, the complement: AXIN2 is on the minus strand). VCF-style: chr17-65536512-C-A. GRCh37 (hg19) VCF-style: chr17-63532630-C-A.
Other names: c.1754G>T, p.Arg585Leu (NM_001363813.1); short protein forms R650L, R585L.
Identifiers: ClinVar variation 2715953 (VCV002715953.3), dbSNP rs199719878, ClinGen allele CA400676273.